The following is an entry in ClinVar:

ClinVar aggregate classification (germline): Uncertain significance (1 of 4 stars; one submission).

Conditions:
Epilepsy, X-linked 1, with variable learning disabilities and behavior disorders. Also called: X-linked epilepsy-learning disabilities-behavior disorders syndrome. Identifiers: Orphanet 85294, MedGen C5774177, MONDO:0010339, OMIM 300491.

Submission:

Labcorp Genetics (formerly Invitae), Labcorp
Classification: Uncertain significance for Epilepsy, X-linked 1, with variable learning disabilities and behavior disorders. Last evaluated: 2022-05-30. Review status: criteria provided, single submitter. Criteria: Invitae Variant Classification Sherloc (09022015). Collection method: clinical testing. Allele origin: germline.
Comment: In summary, the available evidence is currently insufficient to determine the role of this variant in disease. Therefore, it has been classified as a Variant of Uncertain Significance. Experimental studies and prediction algorithms are not available or were not evaluated, and the functional significance of this variant is currently unknown. This variant has not been reported in the literature in individuals affected with SYN1-related conditions. This variant is not present in population databases (gnomAD no frequency). This variant, c.1331_1336del, is a complex sequence change that results in the deletion of 3 and insertion of 1 amino acid(s) in the SYN1 protein (p.Leu444_Arg446delinsCys).

NM_006950.3(SYN1):c.1331_1336del (p.Leu444_Arg446delinsCys)

Gene: SYN1 (synapsin I; minus strand). Cytogenetic location: Xp11.3.
Variant type: Deletion.
Coding change: c.1331_1336del on transcript NM_006950.3 (MANE Select); coding-DNA positions 1331 to 1336, 6 bases deleted (TGGGCC; older notation c.1331_1336delTGGGCC).
Protein change: p.Leu444_Arg446delinsCys.
Molecular consequence: inframe indel.
Genome position (GRCh38, 1-based): chrX:47,574,745-47,574,750, GGCCCA deleted on the plus strand (TGGGCC on the coding strand, the reverse complement: SYN1 is on the minus strand). VCF-style (leftmost placement, unchanged base first): chrX-47574744-CGGCCCA-C. GRCh37 (hg19) VCF-style: chrX-47434143-CGGCCCA-C.
Other names: c.1331_1336del, p.Leu444_Arg446delinsCys (NM_133499.2).
Identifiers: ClinVar variation 2001130 (VCV002001130.4), dbSNP rs2519685380, ClinGen allele CA2580101029.